The following is an entry in ClinVar:

ClinVar aggregate classification (germline): Pathogenic (1 of 4 stars; one submission).

Conditions:
Acute myeloid leukemia (AML). Also called: Acute myeloid leukemia, adult; AML adult; Acute non-lymphocytic leukemia; Acute granulocytic leukemia; Leukemia, acute myeloid, somatic; Leukemia, acute myelogenous, somatic. Identifiers: Orphanet 519, MedGen C0023467, MeSH D015470, MONDO:0018874, OMIM 601626, HP:0004808. Disease mechanism: Constitutively activated FLT3.

Submission:

Labcorp Genetics (formerly Invitae), Labcorp
Classification: Pathogenic for Acute myeloid leukemia. Last evaluated: 2025-08-27. Review status: criteria provided, single submitter. Criteria: Invitae Variant Classification Sherloc (09022015). Collection method: clinical testing. Allele origin: germline.
Comment: This sequence change creates a premature translational stop signal (p.Ser21Thrfs*139) in the CEBPA gene. While this is not anticipated to result in nonsense mediated decay, it is expected to disrupt the last 338 amino acid(s) of the CEBPA protein. This variant is not present in population databases (gnomAD no frequency). This variant has not been reported in the literature in individuals affected with CEBPA-related conditions. This variant disrupts the production of the full length isoform (p42) of the CEBPA protein, which results in the preferential usage of an alternate downstream in-frame methionine at codon 120. Translation starting from this methionine results in a 30 kDa N-terminal truncated isoform of CEBPA that lacks the TAD1 domain, and has been shown to abrogate CEBPA function by acting as a dominant-negative allele (PMID: 11242107, 19953636, 26162409). While functional studies have not been performed to directly test the effect of this variant on CEBPA protein function, this suggests that disruption of this region of the protein is causative of disease. This variant disrupts the region of the CEBPA protein between codon 15 and 119. Other variants in this region have been observed in individuals with autosomal dominant CEBPA-related conditions (PMID: 11242107, 31867767, 32430494, internal data), which suggests that this may be a clinically significant region of the protein. For these reasons, this variant has been classified as Pathogenic.

Literature cited by the submitters: PubMed 11242107; PubMed 19953636; PubMed 26162409; PubMed 31867767; PubMed 32430494.

NM_004364.5(CEBPA):c.62del (p.Ser21fs)

Gene: CEBPA (CCAAT enhancer binding protein alpha; minus strand). Cytogenetic location: 19q13.11.
Variant type: Deletion.
Coding change: c.62del on transcript NM_004364.5 (MANE Select); coding-DNA position 62, one base deleted (G; older notation c.62delG).
Protein change: p.Ser21fs; shifts the reading frame from serine 21.
Molecular consequence: frameshift variant. On other transcripts: 5 prime UTR variant (1).
Genome position (GRCh38, 1-based): chr19:33,302,353, C deleted on the plus strand (G on the coding strand, the reverse complement: CEBPA is on the minus strand). VCF-style (leftmost placement, unchanged base first): chr19-33302352-GC-G. GRCh37 (hg19) VCF-style: chr19-33793258-GC-G.
Other names: c.-296del (NM_001285829.2); c.167del, p.Ser56fs (NM_001287424.2); c.20del, p.Ser7fs (NM_001287435.2); short protein forms S21fs, S7fs, S56fs.
Identifiers: ClinVar variation 4722626 (VCV004722626.1).